The following is an entry in ClinVar:

ClinVar aggregate classification (germline): Uncertain significance. Review status: criteria provided, multiple submitters, no conflicts (2 of 4 stars). 5 submissions from 5 submitters: Uncertain significance (4). 1 of the submissions does not count toward it. Last evaluated 2025-06-01.

Conditions:
MYO7A-related disorder. Also called: MYO7A-related disorders.
Usher syndrome type 1B (USH1B). Also called: Usher syndrome type IB. Identifiers: MedGen C1848638, MONDO:0700087.

Allele frequency attached by ClinVar (database versions not stated): gnomAD exomes 0.00002; TOPMed 0.00002; gnomAD 0.00003 and 0.00004; ExAC 0.00005; ESP Exome Variant Server 0.00008.
gnomAD v4.1: 33 of 1,611,820 alleles (0.002%); highest among the groups gnomAD compares: Non-Finnish European, 0.0025%; no homozygotes.

Submissions (5):

Labcorp Genetics (formerly Invitae), Labcorp
Classification: Uncertain significance. Last evaluated: 2025-06-01. Review status: criteria provided, single submitter. Criteria: Invitae Variant Classification Sherloc (09022015). Collection method: clinical testing. Allele origin: germline.
Comment: This sequence change replaces glutamine, which is neutral and polar, with histidine, which is basic and polar, at codon 18 of the MYO7A protein (p.Gln18His). This variant is present in population databases (rs371849195, gnomAD 0.005%). This missense change has been observed in individual(s) with autosomal recessive inherited retinal dystrophy and/or autosomal recessive Usher syndrome (internal data). In at least one individual the data is consistent with being in trans (on the opposite chromosome) from a pathogenic variant. ClinVar contains an entry for this variant (Variation ID: 546183). Invitae Evidence Modeling of protein sequence and biophysical properties (such as structural, functional, and spatial information, amino acid conservation, physicochemical variation, residue mobility, and thermodynamic stability) indicates that this missense variant is not expected to disrupt MYO7A protein function with a negative predictive value of 95%. In summary, the available evidence is currently insufficient to determine the role of this variant in disease. Therefore, it has been classified as a Variant of Uncertain Significance.

PreventionGenetics, part of Exact Sciences
Classification: Uncertain significance for MYO7A-related condition. Last evaluated: 2025-02-15. Review status: criteria provided, single submitter. Criteria: ACMG Guidelines, 2015. Collection method: clinical testing. Allele origin: germline.
Comment: The MYO7A c.54G>C variant is predicted to result in the amino acid substitution p.Gln18His. To our knowledge, this variant has not been reported in the literature. This variant is reported in 0.0048% of alleles in individuals of European (Non-Finnish) descent in gnomAD. At this time, the clinical significance of this variant is uncertain due to the absence of conclusive functional and genetic evidence.

Blueprint Genetics
Classification: Uncertain significance. Last evaluated: 2024-05-14. Review status: criteria provided, single submitter. Criteria: ACMG Guidelines, 2015. Collection method: clinical testing. Allele origin: germline.

GeneDx
Classification: Uncertain significance. Last evaluated: 2020-08-17. Review status: criteria provided, single submitter. Criteria: GeneDx Variant Classification Process June 2021. Collection method: clinical testing. Allele origin: germline. Affected: yes.
Comment: In silico analysis supports that this missense variant does not alter protein structure/function; Has not been previously published as pathogenic or benign to our knowledge

Natera, Inc.
Classification: Uncertain significance for Usher syndrome type 1B. Last evaluated: 2021-01-29. Review status: no assertion criteria provided. Collection method: clinical testing. Allele origin: germline. Not counted in ClinVar's aggregate classification.

NM_000260.4(MYO7A):c.54G>C (p.Gln18His)

Gene: MYO7A (myosin VIIA; plus strand). Cytogenetic location: 11q13.5.
Variant type: single nucleotide variant.
Coding change: c.54G>C on transcript NM_000260.4 (MANE Select); coding-DNA position 54, G replaced by C.
Protein change: p.Gln18His; replaces glutamine 18 with histidine.
Molecular consequence: missense variant.
Genome position (GRCh38, 1-based): chr11:77,142,744, G>C. VCF-style: chr11-77142744-G-C. GRCh37 (hg19) VCF-style: chr11-76853790-G-C.
Other names: c.54G>C, p.Gln18His (NM_001127180.2); c.21G>C, p.Gln7His (NM_001369365.1); short protein forms Q18H, Q7H.
Identifiers: ClinVar variation 546183 (VCV000546183.9), dbSNP rs371849195, ClinGen allele CA6197013.